The following is an entry in ClinVar:

NM_001102564.3(IFT43):c.16G>C (p.Asp6His)

Gene: IFT43 (intraflagellar transport 43; plus strand). Cytogenetic location: 14q24.3.
Variant type: single nucleotide variant.
Coding change: c.16G>C on transcript NM_001102564.3 (MANE Select); coding-DNA position 16, G replaced by C.
Protein change: p.Asp6His; replaces aspartic acid 6 with histidine.
Molecular consequence: missense variant. On other transcripts: non-coding transcript variant (2).
Genome position (GRCh38, 1-based): chr14:75,985,802, G>C. VCF-style: chr14-75985802-G-C. GRCh37 (hg19) VCF-style: chr14-76452145-G-C.
Other names: c.16G>C, p.Asp6His (NM_001255995.3, NM_052873.3); short protein forms D6H.
Identifiers: ClinVar variation 807149 (VCV000807149.54), dbSNP rs201966792, ClinGen allele CA7280570.

ClinVar aggregate classification (germline): Conflicting classifications of pathogenicity. Review status: criteria provided, conflicting classifications (1 of 4 stars). 6 submissions from 6 submitters: Uncertain significance (5); Likely benign (1). Last evaluated 2026-01-19.

Conditions:
Retinitis pigmentosa 81 (RP81). Identifiers: MedGen C4693443, MONDO:0036482, OMIM 617871.
Short-rib thoracic dysplasia 18 with polydactyly. Identifiers: MedGen C4693420, MONDO:0036483, OMIM 617866.
Cranioectodermal dysplasia 3 (CED3). Identifiers: Orphanet 1515, MedGen C3279807, MONDO:0013573, OMIM 614099.
Connective tissue disorder. Also called: Connective tissue disease. Identifiers: MedGen C0009782, MONDO:0003900.

Allele frequency attached by ClinVar (database versions not stated): gnomAD 0.00019; TOPMed 0.00028; ESP Exome Variant Server 0.00031.
gnomAD v4.1: 979 of 1,614,076 alleles (0.061%); highest among the groups gnomAD compares: Non-Finnish European, 0.077%; 1 homozygote.

Submissions (6):

Labcorp Genetics (formerly Invitae), Labcorp
Classification: Uncertain significance. Last evaluated: 2026-01-19. Review status: criteria provided, single submitter. Criteria: Invitae Variant Classification Sherloc (09022015). Collection method: clinical testing. Allele origin: germline.
Comment: This sequence change replaces aspartic acid, which is acidic and polar, with histidine, which is basic and polar, at codon 6 of the IFT43 protein (p.Asp6His). This variant is present in population databases (rs201966792, gnomAD 0.08%). This variant has not been reported in the literature in individuals affected with IFT43-related conditions. ClinVar contains an entry for this variant (Variation ID: 807149). Experimental studies and prediction algorithms are not available or were not evaluated, and the functional significance of this variant is currently unknown. In summary, the available evidence is currently insufficient to determine the role of this variant in disease. Therefore, it has been classified as a Variant of Uncertain Significance.

Ambry Genetics
Classification: Uncertain significance. Last evaluated: 2024-04-15. Review status: criteria provided, single submitter. Criteria: Ambry Variant Classification Scheme 2023. Collection method: clinical testing. Allele origin: germline.

Fulgent Genetics
Classification: Likely benign for Cranioectodermal dysplasia 3; Short-rib thoracic dysplasia 18 with polydactyly; Retinitis pigmentosa 81. Last evaluated: 2024-03-15. Review status: criteria provided, single submitter. Criteria: ACMG Guidelines, 2015. Collection method: clinical testing. Allele origin: germline.

GeneDx
Classification: Uncertain significance. Last evaluated: 2023-09-19. Review status: criteria provided, single submitter. Criteria: GeneDx Variant Classification Process June 2021. Collection method: clinical testing. Allele origin: germline. Affected: yes.
Comment: In silico analysis supports that this missense variant has a deleterious effect on protein structure/function; Has not been previously published as pathogenic or benign to our knowledge

Genome Diagnostics Laboratory, The Hospital for Sick Children
Classification: Uncertain significance for Connective tissue disorder. Last evaluated: 2019-09-01. Review status: criteria provided, single submitter. Criteria: ACMG Guidelines, 2015. Collection method: clinical testing. Allele origin: germline.

CeGaT Center for Human Genetics Tuebingen
Classification: Uncertain significance. Last evaluated: 2019-05-01. Review status: criteria provided, single submitter. Criteria: CeGaT Center For Human Genetics Tuebingen Variant Classification Criteria Version 2. Collection method: clinical testing. Allele origin: germline. Affected: yes. Observed: 1 variant allele.